The following is an entry in ClinVar:

NM_001605.3(AARS1):c.403G>A (p.Val135Ile)

Gene: AARS1 (alanyl-tRNA synthetase 1; minus strand). Cytogenetic location: 16q22.1.
Variant type: single nucleotide variant.
Coding change: c.403G>A on transcript NM_001605.3 (MANE Select); coding-DNA position 403, G replaced by A.
Protein change: p.Val135Ile; replaces valine 135 with isoleucine.
Molecular consequence: missense variant.
Genome position (GRCh38, 1-based): chr16:70,276,562, C>T on the plus strand (G>A on the coding strand, the complement: AARS1 is on the minus strand). VCF-style: chr16-70276562-C-T. GRCh37 (hg19) VCF-style: chr16-70310465-C-T.
Other names: short protein forms V135I.
Identifiers: ClinVar variation 246443 (VCV000246443.3), dbSNP rs879254261, ClinGen allele CA10584534.

ClinVar aggregate classification (germline): Uncertain significance. Review status: criteria provided, multiple submitters, no conflicts (2 of 4 stars). 2 submissions from 2 submitters: Uncertain significance (2). Last evaluated 2025-06-24.

Conditions:
Charcot-Marie-Tooth disease type 2. Also called: Charcot-Marie-Tooth type 2. Identifiers: Orphanet 64746, MedGen C0270914, MONDO:0018993.

Allele frequency attached by ClinVar (database versions not stated): gnomAD exomes below 0.00001; TOPMed below 0.00001.
gnomAD v4.1: 2 of 1,614,118 alleles (0.00012%); highest among the groups gnomAD compares: Non-Finnish European, 0.000085%; no homozygotes.

Submissions (2):

Labcorp Genetics (formerly Invitae), Labcorp
Classification: Uncertain significance for Charcot-Marie-Tooth disease type 2. Last evaluated: 2025-06-24. Review status: criteria provided, single submitter. Criteria: Invitae Variant Classification Sherloc (09022015). Collection method: clinical testing. Allele origin: germline.
Comment: This sequence change replaces valine, which is neutral and non-polar, with isoleucine, which is neutral and non-polar, at codon 135 of the AARS protein (p.Val135Ile). This variant is not present in population databases (gnomAD no frequency). This variant has not been reported in the literature in individuals affected with AARS-related conditions. ClinVar contains an entry for this variant (Variation ID: 246443). Invitae Evidence Modeling of protein sequence and biophysical properties (such as structural, functional, and spatial information, amino acid conservation, physicochemical variation, residue mobility, and thermodynamic stability) indicates that this missense variant is not expected to disrupt AARS protein function with a negative predictive value of 95%. In summary, the available evidence is currently insufficient to determine the role of this variant in disease. Therefore, it has been classified as a Variant of Uncertain Significance.

GeneDx
Classification: Uncertain significance. Last evaluated: 2016-03-04. Review status: criteria provided, single submitter. Criteria: GeneDx Variant Classification (06012015). Collection method: clinical testing. Allele origin: germline. Affected: yes.
Comment: The V135I variant has not been published as a pathogenic variant, nor has it been reported as a benign variant to our knowledge. It was not observed in approximately 6,500 individuals of European and African American ancestry in the NHLBI Exome Sequencing Project, indicating it is not a common benign variant in these populations. This substitution occurs at a position that is conserved across species, and in silico analysis predicts the V135I variant is probably damaging to the protein structure/function. However, this variant is a conservative amino acid substitution, which is not likely to impact secondary protein structure as these residues share similar properties. Additionally, missense variants in nearby residues have not been reported in the Human Gene Mutation Database in association with AARS-related disorders (Stenson et al., 2014). Therefore, based on the currently available information, it is unclear whether the V135I variant is a pathogenic variant or a rare benign variant.